The following is an entry in ClinVar:

NM_170606.3(KMT2C):c.11613C>T (p.Asp3871=)

Gene: KMT2C (lysine methyltransferase 2C; minus strand). Cytogenetic location: 7q36.1.
Variant type: single nucleotide variant.
Coding change: c.11613C>T on transcript NM_170606.3 (MANE Select); coding-DNA position 11613, C replaced by T.
Protein change: p.Asp3871=; no amino-acid change (aspartic acid 3871 retained).
Molecular consequence: synonymous variant.
Genome position (GRCh38, 1-based): chr7:152,158,920, G>A on the plus strand (C>T on the coding strand, the complement: KMT2C is on the minus strand). VCF-style: chr7-152158920-G-A. GRCh37 (hg19) VCF-style: chr7-151856005-G-A.
Other names: c.11613C>T (NM_170606.2).
Identifiers: ClinVar variation 2052610 (VCV002052610.7), dbSNP rs369567780, ClinGen allele CA4579052.

ClinVar aggregate classification (germline): Likely benign. Review status: criteria provided, multiple submitters, no conflicts (2 of 4 stars). 3 submissions from 3 submitters: Likely benign (2). 1 of the submissions does not count toward it. Last evaluated 2024-07-08.

Conditions:
KMT2C-related disorder. Also called: KMT2C-related condition; KMT2C-related disorders.

Allele frequency attached by ClinVar (database versions not stated): ExAC 0.00005; TOPMed 0.00009; gnomAD 0.00012; ESP Exome Variant Server 0.00015; gnomAD exomes 0.00015.
gnomAD v4.1: 238 of 1,614,076 alleles (0.015%); highest among the groups gnomAD compares: Non-Finnish European, 0.019%; no homozygotes.

Submissions (3):

Blueprint Genetics
Classification: Likely benign. Last evaluated: 2024-07-08. Review status: criteria provided, single submitter. Criteria: ACMG Guidelines, 2015. Collection method: clinical testing. Allele origin: germline.

Labcorp Genetics (formerly Invitae), Labcorp
Classification: Likely benign. Last evaluated: 2022-10-03. Review status: criteria provided, single submitter. Criteria: Invitae Variant Classification Sherloc (09022015). Collection method: clinical testing. Allele origin: germline.

PreventionGenetics, part of Exact Sciences
Classification: Likely benign for KMT2C-related condition. Last evaluated: 2022-05-16. Review status: no assertion criteria provided. Collection method: clinical testing. Allele origin: germline. Not counted in ClinVar's aggregate classification.
Comment: This variant is classified as likely benign based on ACMG/AMP sequence variant interpretation guidelines (Richards et al. 2015 PMID: 25741868, with internal and published modifications).